The following is an entry in ClinVar:

NM_001044.5(SLC6A3):c.742A>G (p.Ile248Val)

Gene: SLC6A3 (solute carrier family 6 member 3). Cytogenetic location: 5p15.33.
Variant type: single nucleotide variant.
Coding change: c.742A>G on transcript NM_001044.5 (MANE Select); coding-DNA position 742, A replaced by G.
Protein change: p.Ile248Val; replaces isoleucine 248 with valine.
Molecular consequence: missense variant.
Genome position (GRCh38, 1-based): chr5:1,421,926, T>C on the plus strand (A>G on the coding strand, the complement: SLC6A3 is on the minus strand). VCF-style: chr5-1421926-T-C. GRCh37 (hg19) VCF-style: chr5-1422041-T-C.
Other names: short protein forms I248V.
Identifiers: ClinVar variation 1409437 (VCV001409437.6), dbSNP rs1365255948, ClinGen allele CA359087195.
Genomic context (GRCh38, chr5:1,421,926, plus strand): 5'-CGAGCCTCACCTTCCCTGAGGTCTTCACGCCCTTCCAGAGGCTGAAGTAGAGCAGCACGA[T>C]GACCAGCACCAGGCAGGCTGTGAGCTGCCACCGCGGAGGCCCCAGGTCGTCGATGCCATG-3'
Protein context (NP_001035.1, residues 238-258): WQLTACLVLV[Ile248Val]VLLYFSLWKG

ClinVar aggregate classification (germline): Uncertain significance (1 of 4 stars; one submission).

Conditions:
Parkinsonism-dystonia, infantile. Identifiers: Orphanet 238455, MedGen C2751067, MONDO:0013150.

Allele frequency attached by ClinVar (database versions not stated): gnomAD exomes below 0.00001 and 0.00002; gnomAD 0.00001.
gnomAD v4.1: 5 of 1,613,150 alleles (0.00031%); no homozygotes.

Submission:

Labcorp Genetics (formerly Invitae), Labcorp
Classification: Uncertain significance for Parkinsonism-dystonia, infantile. Last evaluated: 2021-08-25. Review status: criteria provided, single submitter. Criteria: Invitae Variant Classification Sherloc (09022015). Collection method: clinical testing. Allele origin: germline.
Comment: In summary, the available evidence is currently insufficient to determine the role of this variant in disease. Therefore, it has been classified as a Variant of Uncertain Significance. Algorithms developed to predict the effect of missense changes on protein structure and function output the following: SIFT: "Tolerated"; PolyPhen-2: "Benign"; Align-GVGD: "Class C0". The valine amino acid residue is found in multiple mammalian species, which suggests that this missense change does not adversely affect protein function. This variant has not been reported in the literature in individuals affected with SLC6A3-related conditions. This variant is not present in population databases (ExAC no frequency). This sequence change replaces isoleucine with valine at codon 248 of the SLC6A3 protein (p.Ile248Val). The isoleucine residue is highly conserved and there is a small physicochemical difference between isoleucine and valine.